The following is an entry in ClinVar:

ClinVar aggregate classification (germline): Uncertain significance (1 of 4 stars; one submission).

Conditions:
Acrocallosal syndrome (ACLS). Also called: HALLUX DUPLICATION, POSTAXIAL POLYDACTYLY, AND ABSENCE OF CORPUS CALLOSUM; Schinzel syndrome 1; Absence of corpus callosum with unusual facial appearance, mental deficiency, duplication of the halluces and polydactyly. Identifiers: Orphanet 36, MedGen C0796147, MONDO:0008708, OMIM 200990.

Submission:

Labcorp Genetics (formerly Invitae), Labcorp
Classification: Uncertain significance for Acrocallosal syndrome. Last evaluated: 2025-10-21. Review status: criteria provided, single submitter. Criteria: Invitae Variant Classification Sherloc (09022015). Collection method: clinical testing. Allele origin: germline.
Comment: This sequence change creates a premature translational stop signal (p.Gly1334Alafs*4) in the KIF7 gene. While this is not anticipated to result in nonsense mediated decay, it is expected to disrupt the last 10 amino acid(s) of the KIF7 protein. This variant is not present in population databases (gnomAD no frequency). This variant has not been reported in the literature in individuals affected with KIF7-related conditions. ClinVar contains an entry for this variant (Variation ID: 1471965). Experimental studies and prediction algorithms are not available or were not evaluated, and the functional significance of this variant is currently unknown. In summary, the available evidence is currently insufficient to determine the role of this variant in disease. Therefore, it has been classified as a Variant of Uncertain Significance.

NM_198525.3(KIF7):c.3996_4000dup (p.Gly1334fs)

Gene: KIF7 (kinesin family member 7; minus strand). Cytogenetic location: 15q26.1.
Variant type: Duplication.
Coding change: c.3996_4000dup on transcript NM_198525.3 (MANE Select); coding-DNA positions 3996 to 4000, 5 bases duplicated (CCCGG; older notation c.3996_4000dupCCCGG).
Protein change: p.Gly1334fs; shifts the reading frame from glycine 1334.
Molecular consequence: frameshift variant.
Genome position (GRCh38, 1-based): chr15:89,628,451-89,628,455, CCGGG duplicated on the plus strand (CCCGG on the coding strand, the reverse complement: KIF7 is on the minus strand); duplicating any 5 consecutive bases within chr15:89,628,451-89,628,456 gives the same sequence; the c. name uses the placement nearest the transcript's 3' end. VCF-style (leftmost placement, unchanged base first): chr15-89628450-C-CCCGGG. GRCh37 (hg19) VCF-style: chr15-90171681-C-CCCGGG.
Other names: short protein forms G1334fs.
Identifiers: ClinVar variation 1471965 (VCV001471965.6), dbSNP rs2141990790, ClinGen allele CA2573151357.